The following is an entry in ClinVar:

ClinVar aggregate classification (germline): Uncertain significance (1 of 4 stars; one submission).

Conditions:
Autosomal recessive limb-girdle muscular dystrophy type R18 (LGMDR18). Also called: Limb-girdle muscular dystrophy, type 2S; MUSCULAR DYSTROPHY, LIMB-GIRDLE, AUTOSOMAL RECESSIVE 18; Autosomal recessive limb-girdle muscular dystrophy type 2S. Identifiers: Orphanet 369840, MedGen C4517996, MONDO:0014144, OMIM 615356.

Submission:

Labcorp Genetics (formerly Invitae), Labcorp
Classification: Uncertain significance for Autosomal recessive limb-girdle muscular dystrophy type R18. Last evaluated: 2023-12-07. Review status: criteria provided, single submitter. Criteria: Invitae Variant Classification Sherloc (09022015). Collection method: clinical testing. Allele origin: germline.
Comment: This variant results in a copy number gain of the genomic region encompassing exon(s) 2 of the TRAPPC11 gene. This region includes the initiator codon of the gene. This copy number gain extends beyond the assayed region for this gene and therefore may encompass additional genes. As the precise location of this event is unknown, it may be in tandem or it may be located elsewhere in the genome. This variant has not been reported in the literature in individuals affected with TRAPPC11-related conditions. In summary, the available evidence is currently insufficient to determine the role of this variant in disease. Therefore, it has been classified as a Variant of Uncertain Significance.

NC_000004.11:g.(?_184585021)_(184585244_?)dup

Gene: TRAPPC11 (trafficking protein particle complex subunit 11; plus strand). Cytogenetic location: 4q35.1.
Variant type: Duplication.
Identifiers: ClinVar variation 2426696 (VCV002426696.6).